The following is an entry in ClinVar:

ClinVar aggregate classification (germline): Pathogenic (1 of 4 stars; one submission).

Conditions:
Joubert syndrome. Also called: CEREBELLOPARENCHYMAL DISORDER IV; JOUBERT-BOLTSHAUSER SYNDROME; Familial aplasia of the vermis. Identifiers: Orphanet 475, MedGen C5979921, MONDO:0018772.
Nephronophthisis. Also called: Juvenile Nephronophthisis. Identifiers: Orphanet 655, MedGen C0687120, MONDO:0019005, HP:0000090.
Meckel-Gruber syndrome. Also called: DYSENCEPHALIA SPLANCHNOCYSTICA; GRUBER SYNDROME; Dysencephalia splachnocystica. Identifiers: Orphanet 564, MedGen C0265215, MONDO:0018921.

Submission:

Labcorp Genetics (formerly Invitae), Labcorp
Classification: Pathogenic for Joubert syndrome; Meckel-Gruber syndrome; Nephronophthisis. Last evaluated: 2025-09-25. Review status: criteria provided, single submitter. Criteria: Invitae Variant Classification Sherloc (09022015). Collection method: clinical testing. Allele origin: germline.
Comment: This sequence change creates a premature translational stop signal (p.Ile1372Asnfs*3) in the CEP290 gene. It is expected to result in an absent or disrupted protein product. Loss-of-function variants in CEP290 are known to be pathogenic (PMID: 16909394, 17345604, 20690115). This variant is not present in population databases (gnomAD no frequency). This variant has not been reported in the literature in individuals affected with CEP290-related conditions. ClinVar contains an entry for this variant (Variation ID: 2030277). Algorithms developed to predict the effect of sequence changes on RNA splicing suggest that this variant may disrupt the consensus splice site. For these reasons, this variant has been classified as Pathogenic.

Literature cited by the submitters: PubMed 16909394; PubMed 17345604; PubMed 20690115.

NM_025114.4(CEP290):c.4115_4118del (p.Ile1372fs)

Gene: CEP290 (centrosomal protein 290; minus strand). Cytogenetic location: 12q21.32.
Variant type: Deletion.
Coding change: c.4115_4118del on transcript NM_025114.4 (MANE Select); coding-DNA positions 4115 to 4118, 4 bases deleted (TAAA; older notation c.4115_4118delTAAA).
Protein change: p.Ile1372fs; shifts the reading frame from isoleucine 1372.
Molecular consequence: frameshift variant.
Genome position (GRCh38, 1-based): chr12:88,087,856-88,087,859, TTTA deleted on the plus strand (TAAA on the coding strand, the reverse complement: CEP290 is on the minus strand); deleting any 4 consecutive bases within chr12:88,087,856-88,087,862 gives the same sequence; the c. name uses the placement nearest the transcript's 3' end. VCF-style (leftmost placement, unchanged base first): chr12-88087855-TTTTA-T. GRCh37 (hg19) VCF-style: chr12-88481632-TTTTA-T.
Other names: short protein forms I1372fs.
Identifiers: ClinVar variation 2030277 (VCV002030277.4), dbSNP rs2500060832, ClinGen allele CA2580086818.